The following is an entry in ClinVar:

NM_014611.3(MDN1):c.5671-4C>G

Gene: MDN1 (midasin AAA ATPase 1; minus strand). Cytogenetic location: 6q15.
Variant type: single nucleotide variant.
Coding change: c.5671-4C>G on transcript NM_014611.3 (MANE Select); 4 bases into the intron before coding-DNA position 5671, C replaced by G.
Molecular consequence: intron variant.
Genome position (GRCh38, 1-based): chr6:89,723,623, G>C on the plus strand (C>G on the coding strand, the complement: MDN1 is on the minus strand). VCF-style: chr6-89723623-G-C. GRCh37 (hg19) VCF-style: chr6-90433342-G-C.
Identifiers: ClinVar variation 3038949 (VCV003038949.2), dbSNP rs144890128, ClinGen allele CA3924770.

ClinVar aggregate classification (germline): Benign (0 of 4 stars; one submission).

Conditions:
MDN1-related disorder. Also called: MDN1-related condition.

Allele frequency attached by ClinVar (database versions not stated): gnomAD exomes 0.00035; ExAC 0.00128; gnomAD 0.00326; 1000 Genomes Project 30x 0.00328; 1000 Genomes Project 0.00339; TOPMed 0.00371; ESP Exome Variant Server 0.00461.
gnomAD v4.1: 973 of 1,499,860 alleles (0.065%); highest among the groups gnomAD compares: African/African-American, 1.1%; 3 homozygotes.

Submission:

PreventionGenetics, part of Exact Sciences
Classification: Benign for MDN1-related condition. Last evaluated: 2019-05-24. Review status: no assertion criteria provided. Collection method: clinical testing. Allele origin: germline.
Comment: This variant is classified as benign based on ACMG/AMP sequence variant interpretation guidelines (Richards et al. 2015 PMID: 25741868, with internal and published modifications).